The following is an entry in ClinVar:

NM_020778.5(ALPK3):c.707C>T (p.Ser236Leu)

Gene: ALPK3 (alpha kinase 3; plus strand). Cytogenetic location: 15q25.3.
Variant type: single nucleotide variant.
Coding change: c.707C>T on transcript NM_020778.5 (MANE Select); coding-DNA position 707, C replaced by T.
Protein change: p.Ser236Leu; replaces serine 236 with leucine.
Molecular consequence: missense variant.
Genome position (GRCh38, 1-based): chr15:84,839,986, C>T. VCF-style: chr15-84839986-C-T. GRCh37 (hg19) VCF-style: chr15-85383217-C-T.
Other names: short protein forms S236L.
Identifiers: ClinVar variation 1943824 (VCV001943824.5), dbSNP rs1490026067, ClinGen allele CA393373342.

ClinVar aggregate classification (germline): Uncertain significance (1 of 4 stars; one submission).

gnomAD v4.1: 2 of 1,612,826 alleles (0.00012%); highest among the groups gnomAD compares: Non-Finnish European, 0.000085%; no homozygotes.

Submission:

Labcorp Genetics (formerly Invitae), Labcorp
Classification: Uncertain significance. Last evaluated: 2025-11-03. Review status: criteria provided, single submitter. Criteria: Invitae Variant Classification Sherloc (09022015). Collection method: clinical testing. Allele origin: germline.
Comment: This sequence change replaces serine, which is neutral and polar, with leucine, which is neutral and non-polar, at codon 438 of the ALPK3 protein (p.Ser438Leu). This variant is not present in population databases (gnomAD no frequency). This variant has not been reported in the literature in individuals affected with ALPK3-related conditions. ClinVar contains an entry for this variant (Variation ID: 1943824). Invitae Evidence Modeling of protein sequence and biophysical properties (such as structural, functional, and spatial information, amino acid conservation, physicochemical variation, residue mobility, and thermodynamic stability) indicates that this missense variant is not expected to disrupt ALPK3 protein function with a negative predictive value of 80%. In summary, the available evidence is currently insufficient to determine the role of this variant in disease. Therefore, it has been classified as a Variant of Uncertain Significance.